The following is an entry in ClinVar:

ClinVar aggregate classification (germline): Pathogenic. Review status: criteria provided, multiple submitters, no conflicts (2 of 4 stars). 2 submissions from 2 submitters: Pathogenic (2). Last evaluated 2026-10-23.

Conditions:
Long QT syndrome (LQTS). Identifiers: MedGen C0023976, MeSH D008133, MONDO:0002442. Disease mechanism: loss of function. Inheritance: Various modes of inheritance.

Allele frequency attached by ClinVar (database versions not stated): gnomAD exomes below 0.00001.

Submissions (2):

GeneDx
Classification: Pathogenic. Last evaluated: 2026-10-23. Review status: criteria provided, single submitter. Criteria: GeneDx Variant Classification Process June 2021. Collection method: clinical testing. Allele origin: germline.
Comment: Frameshift variant predicted to result in protein truncation or nonsense mediated decay in a gene for which loss of function is a known mechanism of disease; Not observed at significant frequency in large population cohorts (gnomAD); This variant is associated with the following publications: (PMID: 32383558, Hataba2025[PreprintCaseReport], 42622231)

Labcorp Genetics (formerly Invitae), Labcorp
Classification: Pathogenic for Long QT syndrome. Last evaluated: 2024-10-18. Review status: criteria provided, single submitter. Criteria: Invitae Variant Classification Sherloc (09022015). Collection method: clinical testing. Allele origin: germline.
Comment: This sequence change creates a premature translational stop signal (p.Glu449Argfs*14) in the KCNQ1 gene. It is expected to result in an absent or disrupted protein product. Loss-of-function variants in KCNQ1 are known to be pathogenic (PMID: 9323054, 19862833). This variant is not present in population databases (gnomAD no frequency). This premature translational stop signal has been observed in individuals with long QT syndrome and Jervell and Lange-Nielsen syndrome (PMID: 12702160, 24388587, 28364778). It has also been observed to segregate with disease in related individuals. ClinVar contains an entry for this variant (Variation ID: 1068919). For these reasons, this variant has been classified as Pathogenic.

Literature cited by the submitters: PubMed 9323054 (cited by Labcorp Genetics (formerly Invitae), Labcorp); PubMed 19862833 (cited by Labcorp Genetics (formerly Invitae), Labcorp); PubMed 12702160 (cited by Labcorp Genetics (formerly Invitae), Labcorp); PubMed 24388587 (cited by Labcorp Genetics (formerly Invitae), Labcorp); PubMed 28364778 (cited by Labcorp Genetics (formerly Invitae), Labcorp).

NM_000218.3(KCNQ1):c.1344dup (p.Glu449fs)

Gene: KCNQ1 (potassium voltage-gated channel subfamily Q member 1; plus strand). Cytogenetic location: 11p15.5.
Variant type: Duplication.
Coding change: c.1344dup on transcript NM_000218.3 (MANE Select); coding-DNA position 1344, one base duplicated (A; older notation c.1344dupA).
Protein change: p.Glu449fs; shifts the reading frame from glutamic acid 449.
Molecular consequence: frameshift variant.
Genome position (GRCh38, 1-based): chr11:2,588,805, A duplicated. VCF-style (leftmost placement, unchanged base first): chr11-2588804-C-CA. GRCh37 (hg19) VCF-style: chr11-2610034-C-CA.
Other names: c.1248dup, p.Glu417Argfs (NM_001406836.1); c.1074dup, p.Glu359Argfs (NM_001406837.1); c.804dup, p.Glu269Argfs (NM_001406838.1); c.963dup, p.Glu322Argfs (NM_181798.2); short protein forms E322fs, E449fs.
Identifiers: ClinVar variation 1068919 (VCV001068919.12), dbSNP rs1848631690, ClinGen allele CA1948236104.